The following is an entry in ClinVar:

NM_017935.5(BANK1):c.2284C>T (p.His762Tyr)

Gene: BANK1 (B cell scaffold protein with ankyrin repeats 1; plus strand). Cytogenetic location: 4q24.
Variant type: single nucleotide variant.
Coding change: c.2284C>T on transcript NM_017935.5 (MANE Select); coding-DNA position 2284, C replaced by T.
Protein change: p.His762Tyr; replaces histidine 762 with tyrosine.
Molecular consequence: missense variant.
Genome position (GRCh38, 1-based): chr4:102,072,386, C>T. VCF-style: chr4-102072386-C-T. GRCh37 (hg19) VCF-style: chr4-102993543-C-T.
Other names: c.2194C>T, p.His732Tyr (NM_001083907.3); c.1885C>T, p.His629Tyr (NM_001127507.3); short protein forms H629Y, H732Y, H762Y.
Identifiers: ClinVar variation 2404584 (VCV002404584.24), dbSNP rs35484557, ClinGen allele CA3025391.

ClinVar aggregate classification (germline): Conflicting classifications of pathogenicity. Review status: criteria provided, conflicting classifications (1 of 4 stars). 2 submissions from 2 submitters: Uncertain significance (1); Likely benign (1). Last evaluated 2026-01-01.

Allele frequency attached by ClinVar (database versions not stated): 1000 Genomes Project 30x 0.00016; 1000 Genomes Project 0.00020; gnomAD exomes 0.00037; gnomAD 0.00042; ExAC 0.00051; TOPMed 0.00054; ESP Exome Variant Server 0.00062.
gnomAD v4.1: 608 of 1,595,610 alleles (0.038%); highest among the groups gnomAD compares: Middle Eastern, 0.15%; no homozygotes.

Submissions (2):

CeGaT Center for Human Genetics Tuebingen
Classification: Likely benign. Last evaluated: 2026-01-01. Review status: criteria provided, single submitter. Criteria: CeGaT Center For Human Genetics Tuebingen Variant Classification Criteria Version 2. Collection method: clinical testing. Allele origin: germline. Affected: yes. Observed: 2 variant alleles.
Comment: BANK1: BP4

Ambry Genetics
Classification: Uncertain significance. Last evaluated: 2021-08-16. Review status: criteria provided, single submitter. Criteria: Ambry Variant Classification Scheme 2023. Collection method: clinical testing. Allele origin: germline.